The following is an entry in ClinVar:

ClinVar aggregate classification (germline): Uncertain significance (1 of 4 stars; one submission).

gnomAD v4.1: 2 of 1,614,106 alleles (0.00012%); highest among the groups gnomAD compares: South Asian, 0.0011%; no homozygotes.

Submission:

Labcorp Genetics (formerly Invitae), Labcorp
Classification: Uncertain significance. Last evaluated: 2025-04-27. Review status: criteria provided, single submitter. Criteria: Invitae Variant Classification Sherloc (09022015). Collection method: clinical testing. Allele origin: germline.
Comment: This sequence change replaces arginine, which is basic and polar, with cysteine, which is neutral and slightly polar, at codon 258 of the WNT4 protein (p.Arg258Cys). This variant is not present in population databases (gnomAD no frequency). This variant has not been reported in the literature in individuals affected with WNT4-related conditions. Invitae Evidence Modeling of protein sequence and biophysical properties (such as structural, functional, and spatial information, amino acid conservation, physicochemical variation, residue mobility, and thermodynamic stability) indicates that this missense variant is expected to disrupt WNT4 protein function with a positive predictive value of 80%. In summary, the available evidence is currently insufficient to determine the role of this variant in disease. Therefore, it has been classified as a Variant of Uncertain Significance.

NM_030761.5(WNT4):c.772C>T (p.Arg258Cys)

Gene: WNT4 (Wnt family member 4; minus strand). Cytogenetic location: 1p36.12.
Variant type: single nucleotide variant.
Coding change: c.772C>T on transcript NM_030761.5 (MANE Select); coding-DNA position 772, C replaced by T.
Protein change: p.Arg258Cys; replaces arginine 258 with cysteine.
Molecular consequence: missense variant.
Genome position (GRCh38, 1-based): chr1:22,120,334, G>A on the plus strand (C>T on the coding strand, the complement: WNT4 is on the minus strand). VCF-style: chr1-22120334-G-A. GRCh37 (hg19) VCF-style: chr1-22446827-G-A.
Other names: short protein forms R258C.
Identifiers: ClinVar variation 4696817 (VCV004696817.1).